The following is an entry in ClinVar:

NM_032785.4(AGBL4):c.282+7G>A

Gene: AGBL4 (AGBL carboxypeptidase 4; minus strand). Cytogenetic location: 1p33.
Variant type: single nucleotide variant.
Coding change: c.282+7G>A on transcript NM_032785.4 (MANE Select); 7 bases into the intron after coding-DNA position 282, G replaced by A.
Molecular consequence: intron variant. On other transcripts: missense variant (2).
Genome position (GRCh38, 1-based): chr1:49,697,306, C>T on the plus strand (G>A on the coding strand, the complement: AGBL4 is on the minus strand). VCF-style: chr1-49697306-C-T. GRCh37 (hg19) VCF-style: chr1-50162978-C-T.
Other names: c.289G>A, p.Glu97Lys (NM_001323573.2, NM_001323574.2); c.282+7G>A (NM_001323575.2); short protein forms E97K.
Identifiers: ClinVar variation 3054422 (VCV003054422.2), dbSNP rs897258395, ClinGen allele CA22419378.

ClinVar aggregate classification (germline): Likely benign (0 of 4 stars; one submission).

Conditions:
AGBL4-related disorder. Also called: AGBL4-related condition.

Allele frequency attached by ClinVar (database versions not stated): gnomAD 0.00004; gnomAD exomes 0.00009; TOPMed 0.00012.
gnomAD v4.1: 55 of 1,544,580 alleles (0.0036%); highest among the groups gnomAD compares: Admixed American, 0.1%; no homozygotes.

Submission:

PreventionGenetics, part of Exact Sciences
Classification: Likely benign for AGBL4-related condition. Last evaluated: 2022-03-17. Review status: no assertion criteria provided. Collection method: clinical testing. Allele origin: germline.
Comment: This variant is classified as likely benign based on ACMG/AMP sequence variant interpretation guidelines (Richards et al. 2015 PMID: 25741868, with internal and published modifications).